The following is an entry in ClinVar:

ClinVar aggregate classification (germline): Likely pathogenic (1 of 4 stars; one submission).

Conditions:
Kabuki syndrome. Also called: NIIKAWA-KUROKI SYNDROME; Kabuki make-up syndrome. Identifiers: Orphanet 2322, MedGen C0796004, MONDO:0016512.

Submission:

Labcorp Genetics (formerly Invitae), Labcorp
Classification: Likely pathogenic for Kabuki syndrome. Last evaluated: 2019-03-06. Review status: criteria provided, single submitter. Criteria: Invitae Variant Classification Sherloc (09022015). Collection method: clinical testing. Allele origin: unknown.
Comment: In summary, the currently available evidence indicates that the variant is pathogenic, but additional data are needed to prove that conclusively. Therefore, this variant has been classified as Likely Pathogenic. Loss-of-function variants in KMT2D are known to be pathogenic (PMID: 22126750). This variant has not been reported in the literature in individuals with KMT2D-related conditions. This variant is a deletion of the genomic region encompassing exons 41-48 and part of exon 40 (c.13649_15785-307del) of the KMT2D gene. It is expected to disrupt RNA splicing and likely results in an absent or disrupted protein product.

Literature cited by the submitters: PubMed 22126750.

NC_000012.11:g.(?_49419036)_(49424698_?)del

Gene: KMT2D (lysine methyltransferase 2D; minus strand). Cytogenetic location: 12q13.12.
Variant type: Deletion.
Identifiers: ClinVar variation 3244284 (VCV003244284.1).